The following is an entry in ClinVar:

NM_144672.4(OTOA):c.1912C>T (p.Gln638Ter)

Gene: OTOA (otoancorin). Cytogenetic location: 16p12.2.
Variant type: single nucleotide variant.
Coding change: c.1912C>T on transcript NM_144672.4 (MANE Select); coding-DNA position 1912, C replaced by T.
Protein change: p.Gln638Ter; replaces glutamine 638 with a stop codon.
Molecular consequence: nonsense.
Genome position (GRCh38, 1-based): chr16:21,726,554, C>T. VCF-style: chr16-21726554-C-T. GRCh37 (hg19) VCF-style: chr16-21737875-C-T.
Other names: c.1675C>T, p.Gln559Ter (NM_001161683.2); c.940C>T, p.Gln314Ter (NM_170664.3); short protein forms Q559*, Q314*, Q638*.
Identifiers: ClinVar variation 1029162 (VCV001029162.1), dbSNP rs1898923522, ClinGen allele CA395061652.

ClinVar aggregate classification (germline): Likely pathogenic (1 of 4 stars; one submission).

Conditions:
Autosomal recessive nonsyndromic hearing loss 22. Identifiers: Orphanet 90636, MedGen C1846896, MONDO:0011762, OMIM 607039.

Submission:

Baylor Genetics
Classification: Likely pathogenic for Autosomal recessive nonsyndromic hearing loss 22. Last evaluated: 2020-08-01. Review status: criteria provided, single submitter. Criteria: ACMG Guidelines, 2015. Collection method: clinical testing. Allele origin: unknown. Affected: yes.
Comment: This variant was determined to be likely pathogenic according to ACMG Guidelines, 2015 [PMID:25741868].